The following is an entry in ClinVar:

NM_139276.3(STAT3):c.1109+87G>A

Gene: STAT3 (signal transducer and activator of transcription 3; minus strand). Cytogenetic location: 17q21.2.
Variant type: single nucleotide variant.
Coding change: c.1109+87G>A on transcript NM_139276.3 (MANE Select); 87 bases into the intron after coding-DNA position 1109, G replaced by A.
Molecular consequence: intron variant.
Genome position (GRCh38, 1-based): chr17:42,331,385, C>T on the plus strand (G>A on the coding strand, the complement: STAT3 is on the minus strand). VCF-style: chr17-42331385-C-T. GRCh37 (hg19) VCF-style: chr17-40483403-C-T.
Other names: c.1013+87G>A (NM_001384989.1); c.1050-1609G>A (NM_001384992.1); c.1109+87G>A (NM_001384984.1, NM_001369519.1, NM_003150.4 and 14 more transcripts); c.1031+87G>A (NM_001384985.1).
Identifiers: ClinVar variation 674423 (VCV000674423.2), dbSNP rs8075442, ClinGen allele CA290737845.

ClinVar aggregate classification (germline): Benign. Review status: criteria provided, multiple submitters, no conflicts (2 of 4 stars). 2 submissions from 2 submitters: Benign (2). Last evaluated 2018-06-16.

Allele frequency attached by ClinVar (database versions not stated): gnomAD exomes 0.01067; gnomAD 0.11415 and 0.12241; TOPMed 0.12844; 1000 Genomes Project 0.12999; 1000 Genomes Project 30x 0.13882.
gnomAD v4.1: 29,277 of 1,212,324 alleles (2.4%); highest among the groups gnomAD compares: African/African-American, 39%; 5,042 homozygotes.

Submissions (2):

GeneDx
Classification: Benign. Last evaluated: 2018-06-16. Review status: criteria provided, single submitter. Criteria: GeneDx Variant Classification (06012015). Collection method: clinical testing. Allele origin: germline. Affected: yes.
Comment: This variant is considered likely benign or benign based on one or more of the following criteria: it is a conservative change, it occurs at a poorly conserved position in the protein, it is predicted to be benign by multiple in silico algorithms, and/or has population frequency not consistent with disease.

Breakthrough Genomics
Classification: Benign. Review status: criteria provided, single submitter. Criteria: ACMG Guidelines, 2015. Collection method: not provided. Allele origin: germline. Inheritance: Autosomal dominant inheritance. Affected: yes.